The following is an entry in ClinVar:

NC_000022.11:g.40346161G>C

Gene: ADSL (adenylosuccinate lyase; plus strand). Cytogenetic location: 22q13.1.
Variant type: single nucleotide variant.
Genome position: GRCh38 VCF-style: chr22-40346161-G-C. GRCh37 (hg19) VCF-style: chr22-40742165-G-C.
Identifiers: ClinVar variation 2066995 (VCV002066995.5), dbSNP rs2518075829, ClinGen allele CA2580099846.
Genomic context (GRCh38, chr22:40,346,161, plus strand): 5'-AACCCGAAAGGCAGGCCTTTTTTTTTTTTTTTTTTTTTGCTTTTTGTTTTTTAGAGACGG[G>C]AGGGTCTCCCTGTGTTGCCCAGGCTGGTCTCGATCTGTCGGCCTCAAGCGATCCTCCGGT-3'

ClinVar aggregate classification (germline): Uncertain significance (1 of 4 stars; one submission).

Conditions:
Adenylosuccinate lyase deficiency (ADSLD). Also called: ADSL DEFICIENCY. Identifiers: Orphanet 46, MedGen C0268126, MONDO:0007068, OMIM 103050.

Submission:

Labcorp Genetics (formerly Invitae), Labcorp
Classification: Uncertain significance for Adenylosuccinate lyase deficiency. Last evaluated: 2022-11-28. Review status: criteria provided, single submitter. Criteria: Invitae Variant Classification Sherloc (09022015). Collection method: clinical testing. Allele origin: germline.
Comment: This variant occurs in a non-coding region of the ADSL gene. It does not change the encoded amino acid sequence of the ADSL protein. The frequency data for this variant in the population databases is considered unreliable, as metrics indicate insufficient coverage at this position in the gnomAD database. This variant has not been reported in the literature in individuals affected with ADSL-related conditions. Experimental studies and prediction algorithms are not available or were not evaluated, and the functional significance of this variant is currently unknown. In summary, the available evidence is currently insufficient to determine the role of this variant in disease. Therefore, it has been classified as a Variant of Uncertain Significance.